The following is an entry in ClinVar:

ClinVar aggregate classification (germline): Benign/Likely benign. Review status: criteria provided, multiple submitters, no conflicts (2 of 4 stars). 3 submissions from 3 submitters: Benign (1); Likely benign (1). 1 of the submissions does not count toward it. Last evaluated 2024-11-06.

Conditions:
CARD14-related disorder. Also called: CARD14-related condition.
Autoinflammatory syndrome. Identifiers: Orphanet 93665, MedGen C3890737, MONDO:0019751.

Allele frequency attached by ClinVar (database versions not stated): 1000 Genomes Project 0.00180; 1000 Genomes Project 30x 0.00187; ESP Exome Variant Server 0.00311.
gnomAD v4.1: 688 of 1,559,322 alleles (0.044%); highest among the groups gnomAD compares: African/African-American, 0.78%; 3 homozygotes.

Submissions (3):

Blueprint Genetics
Classification: Likely benign. Last evaluated: 2024-11-06. Review status: criteria provided, single submitter. Criteria: ACMG Guidelines, 2015. Collection method: clinical testing. Allele origin: germline.

Genome Diagnostics Laboratory, The Hospital for Sick Children
Classification: Benign for Autoinflammatory syndrome. Last evaluated: 2019-05-01. Review status: criteria provided, single submitter. Criteria: ACMG Guidelines, 2015. Collection method: clinical testing. Allele origin: germline. Affected: yes.

PreventionGenetics, part of Exact Sciences
Classification: Benign for CARD14-related condition. Last evaluated: 2019-05-22. Review status: no assertion criteria provided. Collection method: clinical testing. Allele origin: germline. Not counted in ClinVar's aggregate classification.
Comment: This variant is classified as benign based on ACMG/AMP sequence variant interpretation guidelines (Richards et al. 2015 PMID: 25741868, with internal and published modifications).

NM_001366385.1(CARD14):c.-8G>T

Gene: CARD14 (caspase recruitment domain family member 14; plus strand). Cytogenetic location: 17q25.3.
Variant type: single nucleotide variant.
Coding change: c.-8G>T on transcript NM_001366385.1 (MANE Select); 8 bases upstream of the start codon, G replaced by T.
Molecular consequence: 5 prime UTR variant. On other transcripts: non-coding transcript variant (1).
Genome position (GRCh38, 1-based): chr17:80,181,431, G>T. VCF-style: chr17-80181431-G-T. GRCh37 (hg19) VCF-style: chr17-78155230-G-T.
Other names: c.-8G>T (NM_001257970.1, NM_024110.4).
Identifiers: ClinVar variation 1694250 (VCV001694250.6), dbSNP rs367878757, ClinGen allele CA8816313.